The following is an entry in ClinVar:

ClinVar aggregate classification (germline): Conflicting classifications of pathogenicity. Review status: criteria provided, conflicting classifications (1 of 4 stars). 8 submissions from 8 submitters: Uncertain significance (6); Likely benign (2). Last evaluated 2026-07-14.

Conditions:
PLEC-related disorder. Also called: PLEC-related disorders; PLEC-related condition.
Inborn genetic diseases. Identifiers: MedGen C0950123, MeSH D030342.
Epidermolysis bullosa simplex, Ogna type (EBS5A). Also called: Pidermolysis bullosa simplex 5A, Ogna type; EPIDERMOLYSIS BULLOSA SIMPLEX 5A, OGNA TYPE. Identifiers: Orphanet 79401, MedGen C0432317, MONDO:0007555, OMIM 131950.
Epidermolysis bullosa simplex 5C, with pyloric atresia (EBS5C). Also called: PLEC-Related Epidermolysis Bullosa with Pyloric Atresia; Epidermolysis bullosa simplex with pyloric atresia; PLEC1-Related Epidermolysis Bullosa with Pyloric Atresia. Identifiers: Orphanet 158684, MedGen C2677349, MONDO:0012807, OMIM 612138.
Autosomal recessive limb-girdle muscular dystrophy type 2Q (LGMDR17). Also called: MUSCULAR DYSTROPHY, LIMB-GIRDLE, AUTOSOMAL RECESSIVE 17. Identifiers: Orphanet 254361, MedGen C3150989, MONDO:0013390, OMIM 613723.
Epidermolysis bullosa simplex with nail dystrophy (EBS5D). Identifiers: MedGen C4225309, MONDO:0014661, OMIM 616487.
Epidermolysis bullosa simplex 5B, with muscular dystrophy (EBS5B). Also called: EPIDERMOLYSIS BULLOSA SIMPLEX AND LIMB-GIRDLE MUSCULAR DYSTROPHY; Epidermolysis bullosa simplex with muscular dystrophy. Identifiers: Orphanet 257, MedGen C2931072, MONDO:0009181, OMIM 226670.

Allele frequency attached by ClinVar (database versions not stated): gnomAD 0.00003; gnomAD exomes 0.00008 and 0.00016; TOPMed 0.00008; 1000 Genomes Project 30x 0.00016; ExAC 0.00016.
gnomAD v4.1: 128 of 1,598,288 alleles (0.008%); highest among the groups gnomAD compares: South Asian, 0.019%; no homozygotes.

Submissions (8):

PreventionGenetics, part of Exact Sciences
Classification: Uncertain significance for PLEC-related condition. Last evaluated: 2026-07-14. Review status: criteria provided, single submitter. Criteria: ACMG Guidelines, 2015. Collection method: clinical testing. Allele origin: germline.
Comment: The PLEC c.7903G>A variant is predicted to result in the amino acid substitution p.Ala2635Thr. To our knowledge, this variant has not been reported in the literature. This variant is reported in 0.031% of alleles in individuals of East Asian descent in gnomAD. At this time, the clinical significance of this variant is uncertain due to the absence of conclusive functional and genetic evidence.

Labcorp Genetics (formerly Invitae), Labcorp
Classification: Uncertain significance for Autosomal recessive limb-girdle muscular dystrophy type 2Q; Epidermolysis bullosa simplex, Ogna type; Epidermolysis bullosa simplex with nail dystrophy; Epidermolysis bullosa simplex 5C, with pyloric atresia; Epidermolysis bullosa simplex 5B, with muscular dystrophy. Last evaluated: 2025-12-14. Review status: criteria provided, single submitter. Criteria: Invitae Variant Classification Sherloc (09022015). Collection method: clinical testing. Allele origin: germline.
Comment: This sequence change replaces alanine, which is neutral and non-polar, with threonine, which is neutral and polar, at codon 2635 of the PLEC protein (p.Ala2635Thr). This variant is present in population databases (rs199995144, gnomAD 0.03%). This variant has not been reported in the literature in individuals affected with PLEC-related conditions. ClinVar contains an entry for this variant (Variation ID: 196858). Invitae Evidence Modeling of protein sequence and biophysical properties (such as structural, functional, and spatial information, amino acid conservation, physicochemical variation, residue mobility, and thermodynamic stability) indicates that this missense variant is not expected to disrupt PLEC protein function with a negative predictive value of 80%. In summary, the available evidence is currently insufficient to determine the role of this variant in disease. Therefore, it has been classified as a Variant of Uncertain Significance.

Revvity Omics, Revvity
Classification: Uncertain significance. Last evaluated: 2025-04-01. Review status: criteria provided, single submitter. Criteria: ACMG Guidelines, 2015. Collection method: clinical testing. Allele origin: germline.

CeGaT Center for Human Genetics Tuebingen
Classification: Likely benign. Last evaluated: 2025-01-01. Review status: criteria provided, single submitter. Criteria: CeGaT Center For Human Genetics Tuebingen Variant Classification Criteria Version 2. Collection method: clinical testing. Allele origin: germline. Affected: yes. Observed: 1 variant allele.
Comment: PLEC: BP4

Mayo Clinic Laboratories, Mayo Clinic
Classification: Uncertain significance. Last evaluated: 2024-02-13. Review status: criteria provided, single submitter. Criteria: ACMG Guidelines, 2015. Collection method: clinical testing. Allele origin: germline. Observed: 1 variant allele.
Comment: BP4

Ambry Genetics
Classification: Uncertain significance for Inborn genetic diseases. Last evaluated: 2021-06-22. Review status: criteria provided, single submitter. Criteria: Ambry Variant Classification Scheme 2023. Collection method: clinical testing. Allele origin: germline.

GeneDx
Classification: Likely benign. Last evaluated: 2019-10-18. Review status: criteria provided, single submitter. Criteria: GeneDx Variant Classification Process June 2021. Collection method: clinical testing. Allele origin: germline. Affected: yes.

Eurofins Ntd Llc (ga)
Classification: Uncertain significance. Last evaluated: 2015-05-05. Review status: criteria provided, single submitter. Criteria: EGL Classification Definitions 2015. Collection method: clinical testing. Allele origin: germline. Observed: 3 variant alleles, 3 heterozygotes.

NM_201384.3(PLEC):c.7822G>A (p.Ala2608Thr)

Gene: PLEC (plectin; minus strand). Cytogenetic location: 8q24.3.
Variant type: single nucleotide variant.
Coding change: c.7822G>A on transcript NM_201384.3 (MANE Select); coding-DNA position 7822, G replaced by A.
Protein change: p.Ala2608Thr; replaces alanine 2608 with threonine.
Molecular consequence: missense variant.
Genome position (GRCh38, 1-based): chr8:143,921,999, C>T on the plus strand (G>A on the coding strand, the complement: PLEC is on the minus strand). VCF-style: chr8-143921999-C-T. GRCh37 (hg19) VCF-style: chr8-144996167-C-T.
Other names: p.Ala2635Thr; c.7903G>A, p.Ala2635Thr (NM_000445.5); c.7780G>A, p.Ala2594Thr (NM_201378.4); c.7756G>A, p.Ala2586Thr (NM_201379.3); c.8233G>A, p.Ala2745Thr (NM_201380.4); c.7726G>A, p.Ala2576Thr (NM_201381.3); c.7822G>A, p.Ala2608Thr (NM_201382.4); c.7834G>A, p.Ala2612Thr (NM_201383.3); short protein forms A2576T, A2586T, A2594T, A2608T, A2612T, A2635T, A2745T.
Identifiers: ClinVar variation 196858 (VCV000196858.39), dbSNP rs199995144, ClinGen allele CA244622.